The following is an entry in ClinVar:

ClinVar aggregate classification (germline): Benign. Review status: criteria provided, multiple submitters, no conflicts (2 of 4 stars). 2 submissions from 2 submitters: Benign (2). Last evaluated 2026-03-01.

Allele frequency attached by ClinVar (database versions not stated): 1000 Genomes Project 0.00300; 1000 Genomes Project 30x 0.00437; ExAC 0.00458; gnomAD exomes 0.00723 and 0.01138; TOPMed 0.00762; gnomAD 0.00784 and 0.00810.
gnomAD v4.1: 16,862 of 1,550,022 alleles (1.1%); highest among the groups gnomAD compares: Non-Finnish European, 1.3%; 108 homozygotes.

Submissions (2):

CeGaT Center for Human Genetics Tuebingen
Classification: Benign. Last evaluated: 2026-03-01. Review status: criteria provided, single submitter. Criteria: CeGaT Center For Human Genetics Tuebingen Variant Classification Criteria Version 2. Collection method: clinical testing. Allele origin: germline. Affected: yes. Observed: 5 variant alleles.
Comment: MCM9: BP4, BP7, BS1, BS2

Labcorp Genetics (formerly Invitae), Labcorp
Classification: Benign. Last evaluated: 2019-12-31. Review status: criteria provided, single submitter. Criteria: Invitae Variant Classification Sherloc (09022015). Collection method: clinical testing. Allele origin: germline.

NM_017696.3(MCM9):c.2901G>A (p.Pro967=)

Gene: MCM9 (minichromosome maintenance 9 homologous recombination repair factor; minus strand). Cytogenetic location: 6q22.31.
Variant type: single nucleotide variant.
Coding change: c.2901G>A on transcript NM_017696.3 (MANE Select); coding-DNA position 2901, G replaced by A.
Protein change: p.Pro967=; no amino-acid change (proline 967 retained).
Molecular consequence: synonymous variant. On other transcripts: 3 prime UTR variant (4), non-coding transcript variant (1).
Genome position (GRCh38, 1-based): chr6:118,815,355, C>T on the plus strand (G>A on the coding strand, the complement: MCM9 is on the minus strand). VCF-style: chr6-118815355-C-T. GRCh37 (hg19) VCF-style: chr6-119136518-C-T.
Other names: c.2901G>A, p.Pro967= (NM_001378356.1, NM_001378357.1); c.*808G>A (NM_001378359.1, NM_001378360.1, NM_001378366.1 and 1 more transcripts); c.2697G>A, p.Pro899= (NM_001378364.1).
Identifiers: ClinVar variation 782998 (VCV000782998.28), dbSNP rs55779481, ClinGen allele CA3978269.
Genomic context (GRCh38, chr6:118,815,355, plus strand): 5'-CTGTGGCTGACTGGAGATCTGGTTTCCTGGGGTAGATGTTAACTTTCCTGGACGCTTCAC[C>T]GGCAAGGCTGCGTCTCTTCTTGTTCTACGCTGGGAAATTTTAGGACTATGAACTGCTATT-3'
Protein context (NP_060166.2, residues 957-977): QRRTRRDAAL[Pro967=]VKRPGKLTST